The following is an entry in ClinVar:

ClinVar aggregate classification (germline): Pathogenic (1 of 4 stars; one submission).

Conditions:
Isovaleryl-CoA dehydrogenase deficiency (IVA). Also called: ISOVALERIC ACID CoA DEHYDROGENASE DEFICIENCY; Isovaleric acidemia; IVD DEFICIENCY; Classic Isovaleric Acidemia. Identifiers: Orphanet 33, MedGen C0268575, MONDO:0009475, OMIM 243500.

Submission:

Labcorp Genetics (formerly Invitae), Labcorp
Classification: Pathogenic for Isovaleryl-CoA dehydrogenase deficiency. Last evaluated: 2022-12-03. Review status: criteria provided, single submitter. Criteria: Invitae Variant Classification Sherloc (09022015). Collection method: clinical testing. Allele origin: germline.
Comment: For these reasons, this variant has been classified as Pathogenic. This variant has not been reported in the literature in individuals affected with IVD-related conditions. This sequence change creates a premature translational stop signal (p.Lys245*) in the IVD gene. It is expected to result in an absent or disrupted protein product. Loss-of-function variants in IVD are known to be pathogenic (PMID: 16602101). Information on the frequency of this variant in the gnomAD database is not available, as this variant may be reported differently in the database.

Literature cited by the submitters: PubMed 16602101.

NM_002225.5(IVD):c.723_724delinsTT (p.Lys242Ter)

Gene: IVD (isovaleryl-CoA dehydrogenase; plus strand). Cytogenetic location: 15q15.1.
Variant type: Indel.
Coding change: c.723_724delinsTT on transcript NM_002225.5 (MANE Select); coding-DNA positions 723 to 724, CA replaced by TT.
Protein change: p.Lys242Ter; replaces lysine 242 with a stop codon.
Molecular consequence: nonsense. On other transcripts: non-coding transcript variant (1).
Genome position (GRCh38, 1-based): chr15:40,413,026-40,413,027, CA replaced by TT. VCF-style: chr15-40413026-CA-TT. GRCh37 (hg19) VCF-style: chr15-40705225-CA-TT.
Other names: c.633_634delinsTT, p.Lys212Ter (NM_001159508.3); c.675_676delinsTT, p.Lys226Ter (NM_001354597.3); c.723_724delinsTT, p.Lys242Ter (NM_001354598.3, NM_001354601.3); c.810_811delinsTT, p.Lys271Ter (NM_001354599.3, NM_001354600.3); short protein forms K242*, K212*, K226*, K271*.
Identifiers: ClinVar variation 2818385 (VCV002818385.3), dbSNP rs2542714477, ClinGen allele CA2739278818.
Genomic context (GRCh38, chr15:40,413,026, plus strand): 5'-GGACCACCTTTTGTTTCCTGTAAAGGGTATGCCTGGCTTTAGCACCTCTAAGAAGCTGGA[CA>TT]AGCTGGGGATGAGGGGCTCTAACACCTGTGAGCTAATCTTTGAAGACTGCAAGATTCCTG-3'